The following is an entry in ClinVar:

ClinVar aggregate classification (germline): Uncertain significance (1 of 4 stars; one submission).

Conditions:
Hereditary cancer-predisposing syndrome. Also called: Tumor predisposition; Hereditary Cancer Syndrome; Hereditary neoplastic syndrome; Neoplastic Syndromes, Hereditary. Identifiers: Orphanet 140162, MedGen C0027672, MeSH D009386, MONDO:0015356.

Submission:

Ambry Genetics
Classification: Uncertain significance for Hereditary cancer-predisposing syndrome. Last evaluated: 2025-10-15. Review status: criteria provided, single submitter. Criteria: Ambry Variant Classification Scheme 2023. Collection method: clinical testing. Allele origin: germline.
Comment: The p.V1630A variant (also known as c.4889T>C), located in coding exon 37 of the TSC2 gene, results from a T to C substitution at nucleotide position 4889. The valine at codon 1630 is replaced by alanine, an amino acid with similar properties. This amino acid position is conserved. In addition, the in silico prediction for this alteration is inconclusive. Based on the available evidence, the clinical significance of this variant remains unclear.

NM_000548.5(TSC2):c.4889T>C (p.Val1630Ala)

Gene: TSC2 (TSC complex subunit 2; plus strand). Cytogenetic location: 16p13.3.
Variant type: single nucleotide variant.
Coding change: c.4889T>C on transcript NM_000548.5 (MANE Select); coding-DNA position 4889, T replaced by C.
Protein change: p.Val1630Ala; replaces valine 1630 with alanine.
Molecular consequence: missense variant. On other transcripts: non-coding transcript variant (5).
Genome position (GRCh38, 1-based): chr16:2,086,771, T>C. VCF-style: chr16-2086771-T-C. GRCh37 (hg19) VCF-style: chr16-2136772-T-C.
Other names: c.4688T>C, p.Val1563Ala (NM_001077183.3); c.4820T>C, p.Val1607Ala (NM_001114382.3); c.4580T>C, p.Val1527Ala (NM_001318827.2); c.4544T>C, p.Val1515Ala (NM_001318829.2); c.4157T>C, p.Val1386Ala (NM_001318831.2); c.4721T>C, p.Val1574Ala (NM_001318832.2); c.4691T>C, p.Val1564Ala (NM_001363528.2); c.4757T>C, p.Val1586Ala (NM_001370404.1); and 26 more; short protein forms V1159A, V1406A, V1430A, V1515A, V1527A, V1557A, V1574A, V1606A.
Identifiers: ClinVar variation 4557006 (VCV004557006.1).